The following is an entry in ClinVar:

ClinVar aggregate classification (germline): Uncertain significance (1 of 4 stars; one submission).

Allele frequency attached by ClinVar (database versions not stated): gnomAD exomes below 0.00001; TOPMed below 0.00001.
gnomAD v4.1: 1 of 1,613,462 alleles (0.000062%); highest among the groups gnomAD compares: South Asian, 0.0011%; no homozygotes.

Submission:

Labcorp Genetics (formerly Invitae), Labcorp
Classification: Uncertain significance. Last evaluated: 2021-01-29. Review status: criteria provided, single submitter. Criteria: Invitae Variant Classification Sherloc (09022015). Collection method: clinical testing. Allele origin: germline.
Comment: This variant is not present in population databases (ExAC no frequency). This sequence change replaces threonine with alanine at codon 95 of the GPAA1 protein (p.Thr95Ala). The threonine residue is weakly conserved and there is a small physicochemical difference between threonine and alanine. This variant has not been reported in the literature in individuals with GPAA1-related conditions. Algorithms developed to predict the effect of missense changes on protein structure and function output the following: SIFT: "Tolerated"; PolyPhen-2: "Benign"; Align-GVGD: "Class C0". The alanine amino acid residue is found in multiple mammalian species, suggesting that this missense change does not adversely affect protein function. These predictions have not been confirmed by published functional studies and their clinical significance is uncertain. In summary, the available evidence is currently insufficient to determine the role of this variant in disease. Therefore, it has been classified as a Variant of Uncertain Significance.

NM_003801.4(GPAA1):c.283A>G (p.Thr95Ala)

Gene: GPAA1 (glycosylphosphatidylinositol anchor attachment 1; plus strand). Cytogenetic location: 8q24.3.
Variant type: single nucleotide variant.
Coding change: c.283A>G on transcript NM_003801.4 (MANE Select); coding-DNA position 283, A replaced by G.
Protein change: p.Thr95Ala; replaces threonine 95 with alanine.
Molecular consequence: missense variant.
Genome position (GRCh38, 1-based): chr8:144,083,417, A>G. VCF-style: chr8-144083417-A-G. GRCh37 (hg19) VCF-style: chr8-145138320-A-G.
Other names: short protein forms T95A.
Identifiers: ClinVar variation 1367767 (VCV001367767.8), dbSNP rs1835941035, ClinGen allele CA372597937.